The following is an entry in ClinVar:

NM_000291.4(PGK1):c.508C>A (p.His170Asn)

Gene: PGK1 (phosphoglycerate kinase 1; plus strand). Cytogenetic location: Xq21.1.
Variant type: single nucleotide variant.
Coding change: c.508C>A on transcript NM_000291.4 (MANE Select); coding-DNA position 508, C replaced by A.
Protein change: p.His170Asn; replaces histidine 170 with asparagine.
Molecular consequence: missense variant.
Genome position (GRCh38, 1-based): chrX:78,117,402, C>A. VCF-style: chrX-78117402-C-A. GRCh37 (hg19) VCF-style: chrX-77372899-C-A.
Other names: short protein forms H170N.
Identifiers: ClinVar variation 2760407 (VCV002760407.3), dbSNP rs2522493224, ClinGen allele CA413721304.

ClinVar aggregate classification (germline): Uncertain significance (1 of 4 stars; one submission).

Submission:

Labcorp Genetics (formerly Invitae), Labcorp
Classification: Uncertain significance. Last evaluated: 2023-09-12. Review status: criteria provided, single submitter. Criteria: Invitae Variant Classification Sherloc (09022015). Collection method: clinical testing. Allele origin: germline.
Comment: Advanced modeling of protein sequence and biophysical properties (such as structural, functional, and spatial information, amino acid conservation, physicochemical variation, residue mobility, and thermodynamic stability) performed at Invitae indicates that this missense variant is expected to disrupt PGK1 protein function. In summary, the available evidence is currently insufficient to determine the role of this variant in disease. Therefore, it has been classified as a Variant of Uncertain Significance. This variant has not been reported in the literature in individuals affected with PGK1-related conditions. This variant is not present in population databases (gnomAD no frequency). This sequence change replaces histidine, which is basic and polar, with asparagine, which is neutral and polar, at codon 170 of the PGK1 protein (p.His170Asn).